The following is an entry in ClinVar:

ClinVar aggregate classification (germline): Uncertain significance. Review status: criteria provided, multiple submitters, no conflicts (2 of 4 stars). 3 submissions from 3 submitters: Uncertain significance (3). Last evaluated 2024-09-12.

Allele frequency attached by ClinVar (database versions not stated): ExAC 0.00001; TOPMed 0.00002; gnomAD 0.00003.
gnomAD v4.1: 14 of 1,614,058 alleles (0.00087%); highest among the groups gnomAD compares: Non-Finnish European, 0.0012%; no homozygotes.

Submissions (3):

Ambry Genetics
Classification: Uncertain significance. Last evaluated: 2024-09-12. Review status: criteria provided, single submitter. Criteria: Ambry Variant Classification Scheme 2023. Collection method: clinical testing. Allele origin: germline.

Blueprint Genetics
Classification: Uncertain significance. Last evaluated: 2023-04-13. Review status: criteria provided, single submitter. Criteria: ACMG Guidelines, 2015. Collection method: clinical testing. Allele origin: germline.

Labcorp Genetics (formerly Invitae), Labcorp
Classification: Uncertain significance. Last evaluated: 2022-02-20. Review status: criteria provided, single submitter. Criteria: Invitae Variant Classification Sherloc (09022015). Collection method: clinical testing. Allele origin: germline.
Comment: In summary, the available evidence is currently insufficient to determine the role of this variant in disease. Therefore, it has been classified as a Variant of Uncertain Significance. Algorithms developed to predict the effect of sequence changes on RNA splicing suggest that this variant may create or strengthen a splice site. Algorithms developed to predict the effect of missense changes on protein structure and function (SIFT, PolyPhen-2, Align-GVGD) all suggest that this variant is likely to be tolerated. This variant has not been reported in the literature in individuals affected with SEMA4A-related conditions. This variant is present in population databases (rs767715432, gnomAD 0.002%). This sequence change replaces valine, which is neutral and non-polar, with leucine, which is neutral and non-polar, at codon 381 of the SEMA4A protein (p.Val381Leu).

NM_022367.4(SEMA4A):c.1141G>C (p.Val381Leu)

Gene: SEMA4A (semaphorin 4A; plus strand). Cytogenetic location: 1q22.
Variant type: single nucleotide variant.
Coding change: c.1141G>C on transcript NM_022367.4 (MANE Select); coding-DNA position 1141, G replaced by C.
Protein change: p.Val381Leu; replaces valine 381 with leucine.
Molecular consequence: missense variant.
Genome position (GRCh38, 1-based): chr1:156,172,832, G>C. VCF-style: chr1-156172832-G-C. GRCh37 (hg19) VCF-style: chr1-156142623-G-C.
Other names: c.1141G>C, p.Val381Leu (NM_001193300.2, NM_001193301.2, NM_001370567.1); c.745G>C, p.Val249Leu (NM_001193302.2); c.844G>C, p.Val282Leu (NM_001370568.1); c.634G>C, p.Val212Leu (NM_001370569.1, NM_001370571.1); c.1141G>C (NM_022367.3); short protein forms V212L, V282L, V381L, V249L.
Identifiers: ClinVar variation 2202507 (VCV002202507.6), dbSNP rs767715432, ClinGen allele CA1155291.